The following is an entry in ClinVar:

ClinVar aggregate classification (germline): Likely pathogenic (1 of 4 stars; one submission).

Conditions:
Immunodeficiency, common variable, 1. Also called: ANTIBODY DEFICIENCY DUE TO ICOS DEFECT. Identifiers: Orphanet 1572, Orphanet 695183, MedGen C3149378, MONDO:0011864, OMIM 607594.

Submission:

Genome Diagnostics Laboratory, University Medical Center Utrecht
Classification: Likely pathogenic for Immunodeficiency, common variable, 1. Last evaluated: 2021-03-11. Review status: criteria provided, single submitter. Criteria: ACMG Guidelines, 2015. Collection method: clinical testing. Allele origin: unknown. Inheritance: Autosomal dominant inheritance. Affected: yes. Observed: 1 heterozygote.
Comment: The c.231_297delinsA p.(Gln80_Ser101del) variant will probably lead to an in frame deletion of 22 aminoacid residues in a conserved functional domain of the protein. The variant is absent from gnomAD.

NM_005214.5(CTLA4):c.231_297delinsA (p.Gln80_Ser101del)

Gene: CTLA4 (cytotoxic T-lymphocyte associated protein 4; plus strand). Cytogenetic location: 2q33.2.
Variant type: Indel.
Coding change: c.231_297delinsA on transcript NM_005214.5 (MANE Select); coding-DNA positions 231 to 297, the reference bases replaced by A.
Protein change: p.Gln80_Ser101del.
Molecular consequence: inframe deletion.
Genome position (GRCh38, 1-based): chr2:203,870,707-203,870,773, 67 bases replaced. GRCh37 (hg19): chr2:204,735,430-204,735,496.
Other names: c.231_297delinsA, p.Gln80_Ser101del (NM_001037631.3).
Identifiers: ClinVar variation 1801487 (VCV001801487.3), dbSNP rs2469719311, ClinGen allele CA2580065470.